The following is an entry in ClinVar:

ClinVar aggregate classification (germline): Uncertain significance (1 of 4 stars; one submission).

Conditions:
Hajdu-Cheney syndrome (HJCYS). Also called: SERPENTINE FIBULA-POLYCYSTIC KIDNEY SYNDROME; Acroosteolysis dominant type; ACROOSTEOLYSIS WITH OSTEOPOROSIS AND CHANGES IN SKULL AND MANDIBLE. Identifiers: Orphanet 955, MedGen C0917715, MONDO:0007057, OMIM 102500.

Allele frequency attached by ClinVar (database versions not stated): gnomAD exomes 0.00001; ExAC 0.00002.
gnomAD v4.1: 12 of 1,613,868 alleles (0.00074%); highest among the groups gnomAD compares: South Asian, 0.012%; no homozygotes.

Submission:

Labcorp Genetics (formerly Invitae), Labcorp
Classification: Uncertain significance for Hajdu-Cheney syndrome. Last evaluated: 2024-01-10. Review status: criteria provided, single submitter. Criteria: Invitae Variant Classification Sherloc (09022015). Collection method: clinical testing. Allele origin: germline.
Comment: This sequence change replaces valine, which is neutral and non-polar, with alanine, which is neutral and non-polar, at codon 1769 of the NOTCH2 protein (p.Val1769Ala). This variant is present in population databases (rs777458744, gnomAD 0.02%). This variant has not been reported in the literature in individuals affected with NOTCH2-related conditions. Advanced modeling of protein sequence and biophysical properties (such as structural, functional, and spatial information, amino acid conservation, physicochemical variation, residue mobility, and thermodynamic stability) performed at Invitae indicates that this missense variant is not expected to disrupt NOTCH2 protein function with a negative predictive value of 80%. In summary, the available evidence is currently insufficient to determine the role of this variant in disease. Therefore, it has been classified as a Variant of Uncertain Significance.

NM_024408.4(NOTCH2):c.5306T>C (p.Val1769Ala)

Gene: NOTCH2 (notch receptor 2; minus strand). Cytogenetic location: 1p12.
Variant type: single nucleotide variant.
Coding change: c.5306T>C on transcript NM_024408.4 (MANE Select); coding-DNA position 5306, T replaced by C.
Protein change: p.Val1769Ala; replaces valine 1769 with alanine.
Molecular consequence: missense variant.
Genome position (GRCh38, 1-based): chr1:119,921,717, A>G on the plus strand (T>C on the coding strand, the complement: NOTCH2 is on the minus strand). VCF-style: chr1-119921717-A-G. GRCh37 (hg19) VCF-style: chr1-120464340-A-G.
Other names: short protein forms V1769A.
Identifiers: ClinVar variation 2966167 (VCV002966167.3), dbSNP rs777458744, ClinGen allele CA1039679.